The following is an entry in ClinVar:

NM_001083961.2(WDR62):c.1765G>A (p.Ala589Thr)

Gene: WDR62 (WD repeat domain 62; plus strand). Cytogenetic location: 19q13.12.
Variant type: single nucleotide variant.
Coding change: c.1765G>A on transcript NM_001083961.2 (MANE Select); coding-DNA position 1765, G replaced by A.
Protein change: p.Ala589Thr; replaces alanine 589 with threonine.
Molecular consequence: missense variant.
Genome position (GRCh38, 1-based): chr19:36,086,809, G>A. VCF-style: chr19-36086809-G-A. GRCh37 (hg19) VCF-style: chr19-36577711-G-A.
Other names: c.1765G>A, p.Ala589Thr (NM_173636.5); short protein forms A589T.
Identifiers: ClinVar variation 1309680 (VCV001309680.2), dbSNP rs149192461, ClinGen allele CA9395706.

ClinVar aggregate classification (germline): Uncertain significance (1 of 4 stars; one submission).

Allele frequency attached by ClinVar (database versions not stated): ExAC 0.00002; ESP Exome Variant Server 0.00008; gnomAD exomes 0.00002; TOPMed 0.00003; gnomAD 0.00002.
gnomAD v4.1: 22 of 1,609,254 alleles (0.0014%); highest among the groups gnomAD compares: African/African-American, 0.0053%; no homozygotes.

Submission:

GeneDx
Classification: Uncertain significance. Last evaluated: 2019-09-04. Review status: criteria provided, single submitter. Criteria: GeneDx Variant Classification Process June 2021. Collection method: clinical testing. Allele origin: germline. Affected: yes.
Comment: Not observed at a significant frequency in large population cohorts (Lek et al., 2016); In silico analysis, which includes protein predictors and evolutionary conservation, supports that this variant does not alter protein structure/function; Has not been previously published as pathogenic or benign to our knowledge